The following is an entry in ClinVar:

NM_001130144.3(LTBP3):c.3210C>T (p.Pro1070=)

Genes: LTBP3 (latent transforming growth factor beta binding protein 3; minus strand), LOC121832793 (Sharpr-MPRA regulatory region 4001; plus strand). Cytogenetic location: 11q13.1.
Variant type: single nucleotide variant.
Coding change: c.3210C>T on transcript NM_001130144.3 (MANE Select); coding-DNA position 3210, C replaced by T.
Protein change: p.Pro1070=; no amino-acid change (proline 1070 retained).
Molecular consequence: synonymous variant.
Genome position (GRCh38, 1-based): chr11:65,540,279, G>A on the plus strand (C>T on the coding strand, the complement: LTBP3 is on the minus strand). VCF-style: chr11-65540279-G-A. GRCh37 (hg19) VCF-style: chr11-65307750-G-A.
Other names: c.2859C>T, p.Pro953= (NM_001164266.1); c.3210C>T, p.Pro1070= (NM_021070.4).
Identifiers: ClinVar variation 1603631 (VCV001603631.34), dbSNP rs377594002, ClinGen allele CA6100313.

ClinVar aggregate classification (germline): Likely benign. Review status: criteria provided, multiple submitters, no conflicts (2 of 4 stars). 3 submissions from 3 submitters: Likely benign (3). Last evaluated 2025-11-19.

Conditions:
Inborn genetic diseases. Identifiers: MedGen C0950123, MeSH D030342.
Brachyolmia-amelogenesis imperfecta syndrome. Also called: PLATYSPONDYLY WITH AMELOGENESIS IMPERFECTA; Tooth agenesis, selective, 6; Dental anomalies and short stature. Identifiers: Orphanet 2899, MedGen C1832594, MONDO:0011018, OMIM 601216. Disease mechanism: loss of function.

Allele frequency attached by ClinVar (database versions not stated): gnomAD exomes 0.00004; ESP Exome Variant Server 0.00008; TOPMed 0.00011; ExAC 0.00014; gnomAD 0.00015; 1000 Genomes Project 30x 0.00016; 1000 Genomes Project 0.00020.
gnomAD v4.1: 78 of 1,555,484 alleles (0.005%); highest among the groups gnomAD compares: African/African-American, 0.043%; no homozygotes.

Submissions (3):

Labcorp Genetics (formerly Invitae), Labcorp
Classification: Likely benign for Brachyolmia-amelogenesis imperfecta syndrome. Last evaluated: 2025-11-19. Review status: criteria provided, single submitter. Criteria: Invitae Variant Classification Sherloc (09022015). Collection method: clinical testing. Allele origin: germline.

CeGaT Center for Human Genetics Tuebingen
Classification: Likely benign. Last evaluated: 2022-08-01. Review status: criteria provided, single submitter. Criteria: CeGaT Center For Human Genetics Tuebingen Variant Classification Criteria Version 2. Collection method: clinical testing. Allele origin: germline. Affected: yes. Observed: 1 variant allele.
Comment: LTBP3: BP4, BP7

Ambry Genetics
Classification: Likely benign for Inborn genetic diseases. Last evaluated: 2019-07-01. Review status: criteria provided, single submitter. Criteria: Ambry Variant Classification Scheme 2023. Collection method: clinical testing. Allele origin: germline.